The following is an entry in ClinVar:

ClinVar aggregate classification (germline): Likely benign (1 of 4 stars; one submission).

Conditions:
Familial adenomatous polyposis 1 (FAP1). Also called: POLYPOSIS, ADENOMATOUS INTESTINAL; FAMILIAL ADENOMATOUS POLYPOSIS 1, ATTENUATED. Identifiers: MedGen C2713442, MONDO:0021056, OMIM 175100. Disease mechanism: loss of function.

Submission:

Myriad Genetics, Inc.
Classification: Likely benign for Familial adenomatous polyposis 1. Last evaluated: 2024-03-01. Review status: criteria provided, single submitter. Criteria: Myriad Autosomal Dominant, Autosomal Recessive and X-Linked Classification Criteria (2023). Collection method: clinical testing. Allele origin: unknown.
Comment: This variant is considered likely benign. This variant is intronic and is not expected to impact mRNA splicing.

NM_000038.6(APC):c.1409-10_1409-3del

Gene: APC (APC regulator of Wnt signaling pathway; plus strand). Cytogenetic location: 5q22.2.
Variant type: Deletion.
Coding change: c.1409-10_1409-3del on transcript NM_000038.6 (MANE Select); 10 bases into the intron before coding-DNA position 1409 through 3 bases into the intron before coding-DNA position 1409, 8 bases deleted (TTTAAATT; older notation c.1409-10_1409-3delTTTAAATT).
Molecular consequence: intron variant.
Genome position (GRCh38, 1-based): chr5:112,827,098-112,827,105, TTTAAATT deleted; deleting any 8 consecutive bases within chr5:112,827,096-112,827,105 gives the same sequence; the c. name uses the placement nearest the transcript's 3' end. VCF-style (leftmost placement, unchanged base first): chr5-112827095-CTTTTTAAA-C. GRCh37 (hg19) VCF-style: chr5-112162792-CTTTTTAAA-C.
Other names: c.1022-10_1022-3del (NM_001407467.1, NM_001407469.1); c.1286-10_1286-3del (NM_001354900.2); c.1232-10_1232-3del (NM_001354901.2, NM_001407453.1); c.929-10_929-3del (NM_001354905.2); c.560-10_560-3del (NM_001407470.1, NM_001354906.2); c.257-10_257-3del (NM_001407472.1, NM_001407471.1); c.1463-10_1463-3del (NM_001407447.1, NM_001407448.1, NM_001407449.1 and 1 more transcripts); c.1409-10_1409-3del (NM_001354895.2, NM_001407450.1, NM_001127510.3); and 11 more.
Identifiers: ClinVar variation 3148505 (VCV003148505.1), dbSNP rs2533191309, ClinGen allele CA2825001348.
Genomic context (GRCh38, chr5:112,827,095, plus strand): 5'-TAAGTTACCAACTTGGTACCAGTTTGTTTTATTTTAGATGATTGTCTTTTTCCTCTTGCC[CTTTTTAAA>C]TTAGGGGGACTACAGGCCATTGCAGAATTATTGCAAGTGGACTGTGAAATGTATGGGCTT-3'